The following is an entry in ClinVar:

NM_000256.3(MYBPC3):c.1069_1072delinsGC (p.Arg357fs)

Gene: MYBPC3 (myosin binding protein C3; minus strand). Cytogenetic location: 11p11.2.
Variant type: Indel.
Coding change: c.1069_1072delinsGC on transcript NM_000256.3 (MANE Select); coding-DNA positions 1069 to 1072, CGCG replaced by GC.
Protein change: p.Arg357fs; shifts the reading frame from arginine 357.
Molecular consequence: frameshift variant.
Genome position (GRCh38, 1-based): chr11:47,346,225-47,346,228, CGCG replaced by GC on the plus strand (CGCG replaced by GC on the coding strand, the reverse complement: MYBPC3 is on the minus strand). VCF-style: chr11-47346225-CGCG-GC. GRCh37 (hg19) VCF-style: chr11-47367776-CGCG-GC.
Other names: c.1069_1072delCGCGinsGC (NM_000256.3); short protein forms R357fs.
Identifiers: ClinVar variation 181115 (VCV000181115.3), dbSNP rs730880687, ClinGen allele CA009733.
Genomic context (GRCh38, chr11:47,346,225, plus strand): 5'-CTAGCCTGTGCCCTCTCCTCTCCCCTCTGAGGAAGGGCTAACCTGTGCTCTTCTTCTCAT[CGCG>GC]CCTCATGCCCTTGAGCCTCTTTAGCATGCCGCGCAGGTCAGTGACGCCGTACTGGAAGGC-3'

ClinVar aggregate classification (germline): Pathogenic (1 of 4 stars; one submission).

Submission:

GeneDx
Classification: Pathogenic. Last evaluated: 2020-05-18. Review status: criteria provided, single submitter. Criteria: GeneDx Variant Classification Process June 2021. Collection method: clinical testing. Allele origin: germline. Affected: yes.
Comment: Frameshift variant predicted to result in protein truncation or nonsense mediated decay in a gene for which loss-of-function is a known mechanism of disease; Not observed in large population cohorts (Lek et al., 2016); Has not been previously published as pathogenic or benign to our knowledge